The following is an entry in ClinVar:

ClinVar aggregate classification (germline): Uncertain significance. Review status: criteria provided, multiple submitters, no conflicts (2 of 4 stars). 3 submissions from 3 submitters: Uncertain significance (3). Last evaluated 2022-11-28.

Conditions:
Epidermolysis bullosa simplex 5B, with muscular dystrophy (EBS5B). Also called: EPIDERMOLYSIS BULLOSA SIMPLEX AND LIMB-GIRDLE MUSCULAR DYSTROPHY; Epidermolysis bullosa simplex with muscular dystrophy. Identifiers: Orphanet 257, MedGen C2931072, MONDO:0009181, OMIM 226670.
Epidermolysis bullosa simplex, Ogna type (EBS5A). Also called: Pidermolysis bullosa simplex 5A, Ogna type; EPIDERMOLYSIS BULLOSA SIMPLEX 5A, OGNA TYPE. Identifiers: Orphanet 79401, MedGen C0432317, MONDO:0007555, OMIM 131950.
Autosomal recessive limb-girdle muscular dystrophy type 2Q (LGMDR17). Also called: MUSCULAR DYSTROPHY, LIMB-GIRDLE, AUTOSOMAL RECESSIVE 17. Identifiers: Orphanet 254361, MedGen C3150989, MONDO:0013390, OMIM 613723.
Epidermolysis bullosa simplex 5C, with pyloric atresia (EBS5C). Also called: Epidermolysis bullosa simplex with pyloric atresia; PLEC1-Related Epidermolysis Bullosa with Pyloric Atresia; PLEC-Related Epidermolysis Bullosa with Pyloric Atresia. Identifiers: Orphanet 158684, MedGen C2677349, MONDO:0012807, OMIM 612138.
Epidermolysis bullosa simplex with nail dystrophy (EBS5D). Identifiers: MedGen C4225309, MONDO:0014661, OMIM 616487.

Allele frequency attached by ClinVar (database versions not stated): gnomAD exomes 0.00001; TOPMed 0.00002; gnomAD 0.00001 and 0.00003; ESP Exome Variant Server 0.00008; 1000 Genomes Project 30x 0.00016; 1000 Genomes Project 0.00020.

Submissions (3):

Labcorp Genetics (formerly Invitae), Labcorp
Classification: Uncertain significance for Autosomal recessive limb-girdle muscular dystrophy type 2Q; Epidermolysis bullosa simplex, Ogna type; Epidermolysis bullosa simplex with nail dystrophy; Epidermolysis bullosa simplex 5C, with pyloric atresia; Epidermolysis bullosa simplex 5B, with muscular dystrophy. Last evaluated: 2022-11-28. Review status: criteria provided, single submitter. Criteria: Invitae Variant Classification Sherloc (09022015). Collection method: clinical testing. Allele origin: germline.
Comment: This sequence change replaces arginine, which is basic and polar, with glutamine, which is neutral and polar, at codon 1256 of the PLEC protein (p.Arg1256Gln). This variant is present in population databases (rs369021425, gnomAD 0.02%). This variant has not been reported in the literature in individuals affected with PLEC-related conditions. ClinVar contains an entry for this variant (Variation ID: 500234). Advanced modeling of protein sequence and biophysical properties (such as structural, functional, and spatial information, amino acid conservation, physicochemical variation, residue mobility, and thermodynamic stability) performed at Invitae indicates that this missense variant is not expected to disrupt PLEC protein function. In summary, the available evidence is currently insufficient to determine the role of this variant in disease. Therefore, it has been classified as a Variant of Uncertain Significance.

Revvity Omics, Revvity
Classification: Uncertain significance. Last evaluated: 2019-05-30. Review status: criteria provided, single submitter. Criteria: ACMG Guidelines, 2015. Collection method: clinical testing. Allele origin: germline.

Eurofins Ntd Llc (ga)
Classification: Uncertain significance. Last evaluated: 2017-02-02. Review status: criteria provided, single submitter. Criteria: EGL Classification Definitions 2015. Collection method: clinical testing. Allele origin: germline. Observed: 1 variant allele, 1 heterozygote.

NM_201384.3(PLEC):c.3686G>A (p.Arg1229Gln)

Gene: PLEC (plectin; minus strand). Cytogenetic location: 8q24.3.
Variant type: single nucleotide variant.
Coding change: c.3686G>A on transcript NM_201384.3 (MANE Select); coding-DNA position 3686, G replaced by A.
Protein change: p.Arg1229Gln; replaces arginine 1229 with glutamine.
Molecular consequence: missense variant.
Genome position (GRCh38, 1-based): chr8:143,927,480, C>T on the plus strand (G>A on the coding strand, the complement: PLEC is on the minus strand). VCF-style: chr8-143927480-C-T. GRCh37 (hg19) VCF-style: chr8-145001648-C-T.
Other names: c.3767G>A, p.Arg1256Gln (NM_000445.5); c.3644G>A, p.Arg1215Gln (NM_201378.4); c.3620G>A, p.Arg1207Gln (NM_201379.3); c.4097G>A, p.Arg1366Gln (NM_201380.4); c.3590G>A, p.Arg1197Gln (NM_201381.3); c.3686G>A, p.Arg1229Gln (NM_201382.4); c.3698G>A, p.Arg1233Gln (NM_201383.3); short protein forms R1197Q, R1207Q, R1215Q, R1229Q, R1233Q, R1256Q, R1366Q.
Identifiers: ClinVar variation 500234 (VCV000500234.12), dbSNP rs369021425, ClinGen allele CA4926984.